The following is an entry in ClinVar:

NC_012920.1(MT-TI):m.4315A>G

Gene: MT-TI (mitochondrially encoded tRNA isoleucine; plus strand).
Variant type: single nucleotide variant.
Genome position: chrM-4315-A-G.
Identifiers: ClinVar variation 235013 (VCV000235013.3), dbSNP rs876661359, ClinGen allele CA10581201.

ClinVar aggregate classification (germline): Uncertain significance (1 of 4 stars; one submission).

Submission:

Stanford Center for Inherited Cardiovascular Disease, Stanford University
Classification: Uncertain significance. Last evaluated: 2014-01-02. Review status: criteria provided, single submitter. Criteria: ACMG Guidelines, 2015. Collection method: provider interpretation. Allele origin: germline.